The following is an entry in ClinVar:

NM_001363118.2(SLC52A2):c.339CTT[1] (p.Phe114del)

Gene: SLC52A2 (solute carrier family 52 member 2; plus strand). Cytogenetic location: 8q24.3.
Variant type: Microsatellite.
Coding change: c.339CTT[1] on transcript NM_001363118.2 (MANE Select); one copy of the 3-base unit CTT starting at c.339; the reference has two copies in a row; one copy, 3 bases deleted.
Protein change: p.Phe114del; deletes phenylalanine 114.
Molecular consequence: inframe deletion. On other transcripts: non-coding transcript variant (1), intron variant (1).
Genome position (GRCh38, 1-based): chr8:144,359,834-144,359,836, CTT deleted; deleting any 3 consecutive bases within chr8:144,359,831-144,359,836 gives the same sequence; the position shown is the placement nearest the transcript's 3' end. VCF-style (leftmost placement, unchanged base first): chr8-144359830-CCTT-C. GRCh37 (hg19) VCF-style: chr8-145583490-CCTT-C.
Other names: c.342_344delCTT (NM_001253816.1); c.339CTT[1], p.Phe114del (NM_001253815.2, NM_001253816.2, NM_001363120.2 and 2 more transcripts); c.131-281_131-279del (NM_001363122.2); short protein forms F114del.
Identifiers: ClinVar variation 540429 (VCV000540429.9), dbSNP rs782498327, ClinGen allele CA4938167.

ClinVar aggregate classification (germline): Uncertain significance. Review status: criteria provided, multiple submitters, no conflicts (2 of 4 stars). 3 submissions from 3 submitters: Uncertain significance (3). Last evaluated 2022-02-02.

Conditions:
Inborn genetic diseases. Identifiers: MedGen C0950123, MeSH D030342.
Brown-Vialetto-van Laere syndrome 2. Also called: Riboflavin transporter deficiency type 2; SPINOCEREBELLAR ATAXIA WITH BLINDNESS AND DEAFNESS 2. Identifiers: Orphanet 572543, Orphanet 97229, MedGen C3553538, MONDO:0013867, OMIM 614707.

Submissions (3):

Ambry Genetics
Classification: Uncertain significance for Inborn genetic diseases. Last evaluated: 2022-02-02. Review status: criteria provided, single submitter. Criteria: Ambry Variant Classification Scheme 2023. Collection method: clinical testing. Allele origin: germline.
Comment: The c.342_344delCTT variant (also known as p.F114del) is located in coding exon 2 of the SLC52A2 gene. This variant results from an in-frame CTT deletion at nucleotide positions 342 to 344. This results in the in-frame deletion of a phenylalanine at codon 114. This amino acid position is well conserved in available vertebrate species. In addition, this alteration is predicted to be deleterious by in silico analysis (Choi Y et al. PLoS ONE. 2012; 7(10):e46688). Since supporting evidence is limited at this time, the clinical significance of this alteration remains unclear.

Labcorp Genetics (formerly Invitae), Labcorp
Classification: Uncertain significance for Brown-Vialetto-van Laere syndrome 2. Last evaluated: 2022-01-26. Review status: criteria provided, single submitter. Criteria: Invitae Variant Classification Sherloc (09022015). Collection method: clinical testing. Allele origin: germline.
Comment: ClinVar contains an entry for this variant (Variation ID: 540429). This variant, c.342_344del, results in the deletion of 1 amino acid(s) of the SLC52A2 protein (p.Phe114del), but otherwise preserves the integrity of the reading frame. This variant is present in population databases (rs782498327, gnomAD 0.0009%). This variant has not been reported in the literature in individuals affected with SLC52A2-related conditions. Experimental studies and prediction algorithms are not available or were not evaluated, and the functional significance of this variant is currently unknown. In summary, the available evidence is currently insufficient to determine the role of this variant in disease. Therefore, it has been classified as a Variant of Uncertain Significance.

Victorian Clinical Genetics Services, Murdoch Childrens Research Institute
Classification: Uncertain significance for Brown-Vialetto-van Laere syndrome 2. Last evaluated: 2020-05-21. Review status: criteria provided, single submitter. Criteria: ACMG Guidelines, 2015. Collection method: clinical testing. Allele origin: germline. Inheritance: Autosomal recessive inheritance.
Comment: A heterozygous in-frame deletion variant was identified, NM_001253816.1(SLC52A2):c.342_344del in exon 3 of 5 of the SLC52A2 gene. This variant is predicted to result in an in-frame deletion of a single amino acid at position 114 of the protein; NP_001240745.1(SLC52A2):p.(Phe114del). The phenylalanine at this position has high conservation (100 vertebrates, UCSC), and is not situated in a known functional domain. The variant is present in the gnomAD population database at a frequency of 0.0004% (1 heterozygotes, 0 homozygotes). The variant has previously been reported once as VUS (ClinVar). Based on information available at the time of curation, this variant has been classified as a VUS.